The following is an entry in ClinVar:

ClinVar aggregate classification (germline): Uncertain significance (1 of 4 stars; one submission).

Allele frequency attached by ClinVar (database versions not stated): gnomAD exomes below 0.00001.
gnomAD v4.1: 2 of 1,597,000 alleles (0.00013%); highest among the groups gnomAD compares: South Asian, 0.0011%; no homozygotes.

Submission:

Labcorp Genetics (formerly Invitae), Labcorp
Classification: Uncertain significance. Last evaluated: 2023-06-24. Review status: criteria provided, single submitter. Criteria: Invitae Variant Classification Sherloc (09022015). Collection method: clinical testing. Allele origin: germline.
Comment: Advanced modeling of protein sequence and biophysical properties (such as structural, functional, and spatial information, amino acid conservation, physicochemical variation, residue mobility, and thermodynamic stability) performed at Invitae indicates that this missense variant is not expected to disrupt C2CD3 protein function. In summary, the available evidence is currently insufficient to determine the role of this variant in disease. Therefore, it has been classified as a Variant of Uncertain Significance. This variant has not been reported in the literature in individuals affected with C2CD3-related conditions. This variant is not present in population databases (gnomAD no frequency). This sequence change replaces glutamine, which is neutral and polar, with arginine, which is basic and polar, at codon 627 of the C2CD3 protein (p.Gln627Arg).

NM_001286577.2(C2CD3):c.1880A>G (p.Gln627Arg)

Gene: C2CD3 (C2 domain containing 3 centriole elongation regulator; minus strand). Cytogenetic location: 11q13.4.
Variant type: single nucleotide variant.
Coding change: c.1880A>G on transcript NM_001286577.2 (MANE Select); coding-DNA position 1880, A replaced by G.
Protein change: p.Gln627Arg; replaces glutamine 627 with arginine.
Molecular consequence: missense variant.
Genome position (GRCh38, 1-based): chr11:74,109,116, T>C on the plus strand (A>G on the coding strand, the complement: C2CD3 is on the minus strand). VCF-style: chr11-74109116-T-C. GRCh37 (hg19) VCF-style: chr11-73820161-T-C.
Other names: c.1880A>G, p.Gln627Arg (NM_015531.6); short protein forms Q627R.
Identifiers: ClinVar variation 2727719 (VCV002727719.3), dbSNP rs2496471331, ClinGen allele CA381835898.